The following is an entry in ClinVar:

NM_001737.5(C9):c.1379C>A (p.Ser460Tyr)

Gene: C9 (complement C9; minus strand). Cytogenetic location: 5p13.1.
Variant type: single nucleotide variant.
Coding change: c.1379C>A on transcript NM_001737.5 (MANE Select); coding-DNA position 1379, C replaced by A.
Protein change: p.Ser460Tyr; replaces serine 460 with tyrosine.
Molecular consequence: missense variant.
Genome position (GRCh38, 1-based): chr5:39,306,654, G>T on the plus strand (C>A on the coding strand, the complement: C9 is on the minus strand). VCF-style: chr5-39306654-G-T. GRCh37 (hg19) VCF-style: chr5-39306756-G-T.
Other names: short protein forms S460Y.
Identifiers: ClinVar variation 1345646 (VCV001345646.8), dbSNP rs760939510, ClinGen allele CA3246717.

ClinVar aggregate classification (germline): Uncertain significance (1 of 4 stars; one submission).

Allele frequency attached by ClinVar (database versions not stated): gnomAD exomes below 0.00001 and 0.00001; ExAC 0.00001.
gnomAD v4.1: 6 of 1,613,824 alleles (0.00037%); highest among the groups gnomAD compares: South Asian, 0.0066%; no homozygotes.

Submission:

Labcorp Genetics (formerly Invitae), Labcorp
Classification: Uncertain significance. Last evaluated: 2022-02-10. Review status: criteria provided, single submitter. Criteria: Invitae Variant Classification Sherloc (09022015). Collection method: clinical testing. Allele origin: germline.
Comment: In summary, the available evidence is currently insufficient to determine the role of this variant in disease. Therefore, it has been classified as a Variant of Uncertain Significance. This sequence change replaces serine, which is neutral and polar, with tyrosine, which is neutral and polar, at codon 460 of the C9 protein (p.Ser460Tyr). This variant is present in population databases (rs760939510, gnomAD 0.006%). This variant has not been reported in the literature in individuals affected with C9-related conditions. Algorithms developed to predict the effect of missense changes on protein structure and function are either unavailable or do not agree on the potential impact of this missense change (SIFT: "Not Available"; PolyPhen-2: "Probably Damaging"; Align-GVGD: "Not Available").